The following is an entry in ClinVar:

NM_001134665.3(TRMT10A):c.728G>A (p.Arg243Gln)

Gene: TRMT10A (tRNA methyltransferase 10A; minus strand). Cytogenetic location: 4q23.
Variant type: single nucleotide variant.
Coding change: c.728G>A on transcript NM_001134665.3 (MANE Select); coding-DNA position 728, G replaced by A.
Protein change: p.Arg243Gln; replaces arginine 243 with glutamine.
Molecular consequence: missense variant.
Genome position (GRCh38, 1-based): chr4:99,550,908, C>T on the plus strand (G>A on the coding strand, the complement: TRMT10A is on the minus strand). VCF-style: chr4-99550908-C-T. GRCh37 (hg19) VCF-style: chr4-100472065-C-T.
Other names: c.728G>A, p.Arg243Gln (NM_001134666.3, NM_001375880.1, NM_001375881.1 and 1 more transcripts); c.707G>A, p.Arg236Gln (NM_001375882.1); short protein forms R236Q, R243Q.
Identifiers: ClinVar variation 4752623 (VCV004752623.1).

ClinVar aggregate classification (germline): Uncertain significance (1 of 4 stars; one submission).

gnomAD v4.1: 42 of 1,612,998 alleles (0.0026%); highest among the groups gnomAD compares: Non-Finnish European, 0.0034%; no homozygotes.

Submission:

Labcorp Genetics (formerly Invitae), Labcorp
Classification: Uncertain significance. Last evaluated: 2026-01-11. Review status: criteria provided, single submitter. Criteria: Invitae Variant Classification Sherloc (09022015). Collection method: clinical testing. Allele origin: germline.
Comment: This sequence change replaces arginine, which is basic and polar, with glutamine, which is neutral and polar, at codon 243 of the TRMT10A protein (p.Arg243Gln). This variant is present in population databases (rs145480253, gnomAD 0.004%). This variant has not been reported in the literature in individuals affected with TRMT10A-related conditions. Invitae Evidence Modeling of protein sequence and biophysical properties (such as structural, functional, and spatial information, amino acid conservation, physicochemical variation, residue mobility, and thermodynamic stability) indicates that this missense variant is expected to disrupt TRMT10A protein function with a positive predictive value of 80%. Algorithms developed to predict the effect of sequence changes on RNA splicing suggest that this variant may disrupt the consensus splice site. In summary, the available evidence is currently insufficient to determine the role of this variant in disease. Therefore, it has been classified as a Variant of Uncertain Significance.